The following is an entry in ClinVar:

ClinVar aggregate classification (germline): Likely benign. Review status: criteria provided, single submitter (1 of 4 stars). 2 submissions from 2 submitters: Likely benign (1). 1 of the submissions does not count toward it. Last evaluated 2025-09-16.

Conditions:
LAMA5-related disorder. Also called: LAMA5-Related Disorders; LAMA5-related condition.

Allele frequency attached by ClinVar (database versions not stated): ExAC 0.00015; gnomAD 0.00029; TOPMed 0.00054; 1000 Genomes Project 30x 0.00062; 1000 Genomes Project 0.00080.
gnomAD v4.1: 136 of 1,611,578 alleles (0.0084%); highest among the groups gnomAD compares: Admixed American, 0.093%; no homozygotes.

Submissions (2):

Labcorp Genetics (formerly Invitae), Labcorp
Classification: Likely benign. Last evaluated: 2025-09-16. Review status: criteria provided, single submitter. Criteria: Invitae Variant Classification Sherloc (09022015). Collection method: clinical testing. Allele origin: germline.

PreventionGenetics, part of Exact Sciences
Classification: Likely benign for LAMA5-related condition. Last evaluated: 2022-02-03. Review status: no assertion criteria provided. Collection method: clinical testing. Allele origin: germline. Not counted in ClinVar's aggregate classification.
Comment: This variant is classified as likely benign based on ACMG/AMP sequence variant interpretation guidelines (Richards et al. 2015 PMID: 25741868, with internal and published modifications).

NM_005560.6(LAMA5):c.4761C>T (p.Gly1587=)

Gene: LAMA5 (laminin subunit alpha 5; minus strand). Cytogenetic location: 20q13.33.
Variant type: single nucleotide variant.
Coding change: c.4761C>T on transcript NM_005560.6 (MANE Select); coding-DNA position 4761, C replaced by T.
Protein change: p.Gly1587=; no amino-acid change (glycine 1587 retained).
Molecular consequence: synonymous variant.
Genome position (GRCh38, 1-based): chr20:62,327,902, G>A on the plus strand (C>T on the coding strand, the complement: LAMA5 is on the minus strand). VCF-style: chr20-62327902-G-A. GRCh37 (hg19) VCF-style: chr20-60902958-G-A.
Other names: c.4761C>T (NM_005560.4).
Identifiers: ClinVar variation 2074160 (VCV002074160.6), dbSNP rs561264851, ClinGen allele CA9942490.